The following is an entry in ClinVar:

NM_130839.5(UBE3A):c.1858A>G (p.Ile620Val)

Genes: SNHG14 (small nucleolar RNA host gene 14; plus strand), UBE3A (ubiquitin protein ligase E3A; minus strand). Cytogenetic location: 15q11.2.
Variant type: single nucleotide variant.
Coding change: c.1858A>G on transcript NM_130839.5 (MANE Select); coding-DNA position 1858, A replaced by G.
Protein change: p.Ile620Val; replaces isoleucine 620 with valine.
Molecular consequence: missense variant. On other transcripts: non-coding transcript variant (1).
Genome position (GRCh38, 1-based): chr15:25,356,792, T>C on the plus strand (A>G on the coding strand, the complement: UBE3A is on the minus strand). VCF-style: chr15-25356792-T-C. GRCh37 (hg19) VCF-style: chr15-25601939-T-C.
Other names: c.1798A>G, p.Ile600Val (NM_001354513.2, NM_001354523.2, NM_001354526.1 and 17 more transcripts); c.1858A>G, p.Ile620Val (NM_001354538.2, NM_001354545.2, NM_001354505.1); c.1681A>G, p.Ile561Val (NM_001354546.2); c.607A>G, p.Ile203Val (NM_001354550.2); c.547A>G, p.Ile183Val (NM_001354551.2); c.1867A>G, p.Ile623Val (NM_000462.5); short protein forms I620V, I623V, I203V, I561V, I600V, I183V.
Identifiers: ClinVar variation 1389302 (VCV001389302.6), dbSNP rs2152700776, ClinGen allele CA391352606.

ClinVar aggregate classification (germline): Uncertain significance (1 of 4 stars; one submission).

Conditions:
Angelman syndrome (AS). Also called: HAPPY PUPPET SYNDROME. Identifiers: Orphanet 72, MedGen C0162635, MONDO:0007113, OMIM 105830. Disease mechanism: loss of function. Inheritance: AS is caused by disruption of maternally imprinted UBE3A located within the 15q11.2-q13 Angelman syndrome/Prader-Willi syndrome (AS/PWS) region., imprinting disorder.

Submission:

Labcorp Genetics (formerly Invitae), Labcorp
Classification: Uncertain significance for Angelman syndrome. Last evaluated: 2021-12-05. Review status: criteria provided, single submitter. Criteria: Invitae Variant Classification Sherloc (09022015). Collection method: clinical testing. Allele origin: germline.
Comment: In summary, the available evidence is currently insufficient to determine the role of this variant in disease. Therefore, it has been classified as a Variant of Uncertain Significance. Algorithms developed to predict the effect of missense changes on protein structure and function are either unavailable or do not agree on the potential impact of this missense change (SIFT: "Not Available"; PolyPhen-2: "Probably Damaging"; Align-GVGD: "Not Available"). This variant has not been reported in the literature in individuals affected with UBE3A-related conditions. This variant is not present in population databases (gnomAD no frequency). This sequence change replaces isoleucine, which is neutral and non-polar, with valine, which is neutral and non-polar, at codon 600 of the UBE3A protein (p.Ile600Val).